The following is an entry in ClinVar:

NC_000020.10:g.(?_62309478)_(62329916_?)del

Genes: RTEL1 (regulator of telomere elongation helicase 1; plus strand), TNFRSF6B (TNF receptor superfamily member 6b; plus strand). Cytogenetic location: 20q13.33.
Variant type: Deletion.
Identifiers: ClinVar variation 2424104 (VCV002424104.8).

ClinVar aggregate classification (germline): Pathogenic (1 of 4 stars; one submission).

Conditions:
Dyskeratosis congenita, autosomal recessive 5 (DKCB5). Identifiers: MedGen C3554656, MONDO:0014076, OMIM 615190.
Pulmonary fibrosis and/or bone marrow failure, Telomere-related, 3. Also called: PULMONARY FIBROSIS AND/OR BONE MARROW FAILURE SYNDROME, TELOMERE-RELATED, 3. Identifiers: Orphanet 2032, MedGen C4225346, MONDO:0014613, OMIM 616373.

Submission:

Labcorp Genetics (formerly Invitae), Labcorp
Classification: Pathogenic for Dyskeratosis congenita, autosomal recessive 5; Pulmonary fibrosis and/or bone marrow failure, Telomere-related, 3. Last evaluated: 2022-04-06. Review status: criteria provided, single submitter. Criteria: Invitae Variant Classification Sherloc (09022015). Collection method: clinical testing. Allele origin: germline.
Comment: This variant is a gross deletion of the genomic region encompassing exon(s) 11-35 of the RTEL1 gene, which includes the termination codon. This deletion extends beyond the assayed region for this gene and therefore may encompass additional genes. While this deletion is not anticipated to lead to nonsense mediated decay, it is expected to alter mRNA translation or result in a truncated protein product. This variant has not been reported in the literature in individuals affected with RTEL1-related conditions. This variant disrupts a region of the RTEL1 protein in which other variant(s) (p.Arg1264His) have been determined to be pathogenic (PMID: 23453664, 24009516, 25047097, 25099625, 25620558, 26025130). This suggests that this is a clinically significant region of the protein, and that variants that disrupt it are likely to be disease-causing. For these reasons, this variant has been classified as Pathogenic.

Literature cited by the submitters: PubMed 23453664; PubMed 24009516; PubMed 25047097; PubMed 25099625; PubMed 25620558; PubMed 26025130.